The following is an entry in ClinVar:

ClinVar aggregate classification (germline): Uncertain significance (1 of 4 stars; one submission).

Allele frequency attached by ClinVar (database versions not stated): gnomAD exomes 0.00001.
gnomAD v4.1: 2 of 1,241,900 alleles (0.00016%); highest among the groups gnomAD compares: Non-Finnish European, 0.0002%; no homozygotes.

Submission:

GeneDx
Classification: Uncertain significance. Last evaluated: 2017-03-24. Review status: criteria provided, single submitter. Criteria: GeneDx Variant Classification (06012015). Collection method: clinical testing. Allele origin: germline. Affected: yes.
Comment: The E108V variant in the AVP gene has not been reported previously as a pathogenic variant, nor as a benign variant, to our knowledge. The E108V variant is not observed in large population cohorts (Lek et al., 2016; 1000 Genomes Consortium et al., 2015; Exome Variant Server). The E108V variant is a non-conservative amino acid substitution, which is likely to impact secondary protein structure as these residues differ in polarity, charge, size and/or other properties. This substitution occurs at a position where amino acids with similar properties to Glutamic Acid are tolerated across species. In silico analysis predicts this variant is probably damaging to the protein structure/function. Missense variants in nearby residues (C104G, C104Y, C104F, C105R, C105Y) have been reported in the Human Gene Mutation Database in association with NDI (Stenson et al., 2014), supporting the functional importance of this region of the protein. We interpret E108V as a variant of uncertain significance.

NM_000490.5(AVP):c.323A>T (p.Glu108Val)

Gene: AVP (arginine vasopressin; minus strand). Cytogenetic location: 20p13.
Variant type: single nucleotide variant.
Coding change: c.323A>T on transcript NM_000490.5 (MANE Select); coding-DNA position 323, A replaced by T.
Protein change: p.Glu108Val; replaces glutamic acid 108 with valine.
Molecular consequence: missense variant.
Genome position (GRCh38, 1-based): chr20:3,082,802, T>A on the plus strand (A>T on the coding strand, the complement: AVP is on the minus strand). VCF-style: chr20-3082802-T-A. GRCh37 (hg19) VCF-style: chr20-3063448-T-A.
Other names: c.323A>T (LRG_715t1); short protein forms E108V.
Identifiers: ClinVar variation 424377 (VCV000424377.2), dbSNP rs1064796944, ClinGen allele CA16620918.
Genomic context (GRCh38, chr20:3,082,802, plus strand): 5'-TCGCTGGCGCGGGCGCGGCGGTGAAAGCCCTCGCGGCACTCGGGCTCGGTCACGCAGCTC[T>A]CTGCCGGGAGGACGTGTGAGCACGGGCGCCCTGGGGCGGGCGCAGCTCGGGGTGCGGGGG-3'
Protein context (NP_000481.2, residues 98-118): CAAFGVCCND[Glu108Val]SCVTEPECRE